The following is an entry in ClinVar:

ClinVar aggregate classification (germline): Likely benign (0 of 4 stars; one submission).

Conditions:
TRIO-related disorder. Also called: TRIO-related disorders; TRIO-related condition.

Allele frequency attached by ClinVar (database versions not stated): gnomAD 0.00002; TOPMed 0.00002; ESP Exome Variant Server 0.00008.
gnomAD v4.1: 32 of 1,596,344 alleles (0.002%); highest among the groups gnomAD compares: Non-Finnish European, 0.0026%; no homozygotes.

Submission:

PreventionGenetics, part of Exact Sciences
Classification: Likely benign for TRIO-related condition. Last evaluated: 2024-06-17. Review status: no assertion criteria provided. Collection method: clinical testing. Allele origin: germline.
Comment: This variant is classified as likely benign based on ACMG/AMP sequence variant interpretation guidelines (Richards et al. 2015 PMID: 25741868, with internal and published modifications).

NM_007118.4(TRIO):c.5457C>T (p.Asp1819=)

Gene: TRIO (trio Rho guanine nucleotide exchange factor; plus strand). Cytogenetic location: 5p15.2.
Variant type: single nucleotide variant.
Coding change: c.5457C>T on transcript NM_007118.4 (MANE Select); coding-DNA position 5457, C replaced by T.
Protein change: p.Asp1819=; no amino-acid change (aspartic acid 1819 retained).
Molecular consequence: synonymous variant. On other transcripts: non-coding transcript variant (1).
Genome position (GRCh38, 1-based): chr5:14,461,272, C>T. VCF-style: chr5-14461272-C-T. GRCh37 (hg19) VCF-style: chr5-14461381-C-T.
Identifiers: ClinVar variation 3057931 (VCV003057931.2), dbSNP rs371802646, ClinGen allele CA114000317.
Genomic context (GRCh38, chr5:14,461,272, plus strand): 5'-GCACAAGAAGAGCCGCGAGGTCCGCAAGAGCGCCGACGCCGGCTCGCAGAAGGACTCCGA[C>T]GACAGTGCGGCCACCCCGCAGGACGAGACGGTCGAGGAGGTGAGGCTCTGCCCGCTGGTT-3'
Protein context (NP_009049.2, residues 1809-1829): SADAGSQKDS[Asp1819=]DSAATPQDET